The following is an entry in ClinVar:

NM_001723.7(DST):c.5872T>C (p.Tyr1958His)

Gene: DST (dystonin; minus strand). Cytogenetic location: 6p12.1.
Variant type: single nucleotide variant.
Coding change: c.5872T>C on transcript NM_001723.7 (MANE Plus Clinical); coding-DNA position 5872, T replaced by C.
Protein change: p.Tyr1958His; replaces tyrosine 1958 with histidine.
Molecular consequence: missense variant. On other transcripts: intron variant (10).
Genome position (GRCh38, 1-based): chr6:56,618,162, A>G on the plus strand (T>C on the coding strand, the complement: DST is on the minus strand). VCF-style: chr6-56618162-A-G. GRCh37 (hg19) VCF-style: chr6-56482960-A-G.
Other names: c.4831-3678T>C (NM_001144769.5); c.4930-3678T>C (NM_001374722.1, NM_001374736.1); c.4957-3678T>C (NM_001374734.1); c.4417-3678T>C (NM_001144770.2); c.4297-3678T>C (NM_001374730.1, NM_001386100.1, NM_183380.4 and 1 more transcripts); c.3319-3678T>C (NM_015548.5); short protein forms Y1958H.
Identifiers: ClinVar variation 2929568 (VCV002929568.1), dbSNP rs1351167597, ClinGen allele CA364566392.

ClinVar aggregate classification (germline): Uncertain significance (1 of 4 stars; one submission).

Conditions:
Hereditary sensory and autonomic neuropathy type 6. Also called: HSAN VI; Neuropathy, hereditary sensory and autonomic, type VI. Identifiers: Orphanet 314381, MedGen C3539003, MONDO:0013839, OMIM 614653.
Epidermolysis bullosa simplex 3, localized or generalized intermediate, with BP230 deficiency (EBS3). Also called: Epidermolysis bullosa simplex, autosomal recessive 2; Epidermolysis bullosa simplex due to BP230 deficiency. Identifiers: Orphanet 412181, MedGen C3809470, MONDO:0014180, OMIM 615425.

Allele frequency attached by ClinVar (database versions not stated): gnomAD 0.00001; gnomAD exomes 0.00001; TOPMed 0.00002.
gnomAD v4.1: 5 of 1,613,896 alleles (0.00031%); highest among the groups gnomAD compares: Non-Finnish European, 0.00034%; no homozygotes.

Submission:

Labcorp Genetics (formerly Invitae), Labcorp
Classification: Uncertain significance for Epidermolysis bullosa simplex 3, localized or generalized intermediate, with BP230 deficiency; Hereditary sensory and autonomic neuropathy type 6. Last evaluated: 2023-08-07. Review status: criteria provided, single submitter. Criteria: Invitae Variant Classification Sherloc (09022015). Collection method: clinical testing. Allele origin: germline.
Comment: In summary, the available evidence is currently insufficient to determine the role of this variant in disease. Therefore, it has been classified as a Variant of Uncertain Significance. An algorithm developed to predict the effect of missense changes on protein structure and function (PolyPhen-2) suggests that this variant is likely to be disruptive. This variant has not been reported in the literature in individuals affected with DST-related conditions. This variant is not present in population databases (gnomAD no frequency). This sequence change replaces tyrosine, which is neutral and polar, with histidine, which is basic and polar, at codon 1958 of the DST protein (p.Tyr1958His).